The following is an entry in ClinVar:

NM_000785.4(CYP27B1):c.405A>T (p.Gln135His)

Gene: CYP27B1 (cytochrome P450 family 27 subfamily B member 1; minus strand). Cytogenetic location: 12q14.1.
Variant type: single nucleotide variant.
Coding change: c.405A>T on transcript NM_000785.4 (MANE Select); coding-DNA position 405, A replaced by T.
Protein change: p.Gln135His; replaces glutamine 135 with histidine.
Molecular consequence: missense variant.
Genome position (GRCh38, 1-based): chr12:57,765,481, T>A on the plus strand (A>T on the coding strand, the complement: CYP27B1 is on the minus strand). VCF-style: chr12-57765481-T-A. GRCh37 (hg19) VCF-style: chr12-58159264-T-A.
Other names: c.405A>T (NM_000785.3); short protein forms Q135H.
Identifiers: ClinVar variation 2080501 (VCV002080501.5), dbSNP rs768968235, ClinGen allele CA6658442.

ClinVar aggregate classification (germline): Uncertain significance. Review status: criteria provided, multiple submitters, no conflicts (2 of 4 stars). 3 submissions from 3 submitters: Uncertain significance (3). Last evaluated 2025-09-11.

Conditions:
Inborn genetic diseases. Identifiers: MedGen C0950123, MeSH D030342.

Allele frequency attached by ClinVar (database versions not stated): gnomAD 0.00001; ExAC 0.00005.

Submissions (3):

Ambry Genetics
Classification: Uncertain significance for Inborn genetic diseases. Last evaluated: 2025-09-11. Review status: criteria provided, single submitter. Criteria: Ambry Variant Classification Scheme 2023. Collection method: clinical testing. Allele origin: germline.

Labcorp Genetics (formerly Invitae), Labcorp
Classification: Uncertain significance. Last evaluated: 2024-07-30. Review status: criteria provided, single submitter. Criteria: Invitae Variant Classification Sherloc (09022015). Collection method: clinical testing. Allele origin: germline.
Comment: This sequence change replaces glutamine, which is neutral and polar, with histidine, which is basic and polar, at codon 135 of the CYP27B1 protein (p.Gln135His). This variant is present in population databases (rs768968235, gnomAD 0.02%). This variant has not been reported in the literature in individuals affected with CYP27B1-related conditions. ClinVar contains an entry for this variant (Variation ID: 2080501). Advanced modeling of protein sequence and biophysical properties (such as structural, functional, and spatial information, amino acid conservation, physicochemical variation, residue mobility, and thermodynamic stability) performed at Invitae indicates that this missense variant is not expected to disrupt CYP27B1 protein function with a negative predictive value of 80%. In summary, the available evidence is currently insufficient to determine the role of this variant in disease. Therefore, it has been classified as a Variant of Uncertain Significance.

Blueprint Genetics
Classification: Uncertain significance. Last evaluated: 2021-07-16. Review status: criteria provided, single submitter. Criteria: ACMG Guidelines, 2015. Collection method: clinical testing. Allele origin: germline.